The following is an entry in ClinVar:

ClinVar aggregate classification (germline): Pathogenic. Review status: criteria provided, multiple submitters, no conflicts (2 of 4 stars). 2 submissions from 2 submitters: Pathogenic (2). Last evaluated 2025-12-09.

Conditions:
Leber congenital amaurosis 14 (LCA14). Identifiers: MedGen C2750063, MONDO:0013231, OMIM 613341.
Abnormality of the eye. Identifiers: MedGen C4316870, HP:0000478.

Submissions (2):

Research Institute for Ophthalmology and Vision Science, Shahid Beheshti University of Medical Sciences
Classification: Pathogenic for Leber congenital amaurosis 14. Last evaluated: 2025-12-09. Review status: criteria provided, single submitter. Criteria: ACMG Guidelines, 2015. Collection method: research. Allele origin: inherited. Inheritance: Autosomal recessive inheritance. Affected: yes.
Comment: This variant is a Null variant, with extremely low frequency in gnomAD population databases, and computational prediction tools suggest it is deleterious.

Kariminejad - Najmabadi Pathology & Genetics Center
Classification: Pathogenic for Abnormality of the eye. Last evaluated: 2021-07-10. Review status: criteria provided, single submitter. Criteria: ACMG Guidelines, 2015. Collection method: clinical testing. Allele origin: germline. Affected: yes.

NM_004744.5(LRAT):c.157_159dup (p.Val53dup)

Gene: LRAT (lecithin retinol acyltransferase; plus strand). Cytogenetic location: 4q32.1.
Variant type: Duplication.
Coding change: c.157_159dup on transcript NM_004744.5 (MANE Select); coding-DNA positions 157 to 159, 3 bases duplicated (GTG; older notation c.157_159dupGTG).
Protein change: p.Val53dup; duplicates valine 53.
Molecular consequence: inframe insertion.
Genome position (GRCh38, 1-based): chr4:154,744,483-154,744,485, GTG duplicated; duplicating any 3 consecutive bases within chr4:154,744,482-154,744,485 gives the same sequence; the c. name uses the placement nearest the transcript's 3' end. VCF-style (leftmost placement, unchanged base first): chr4-154744481-A-AGGT. GRCh37 (hg19) VCF-style: chr4-155665633-A-AGGT.
Other names: c.155delinsAGGT (NM_004744.5); c.157_159dupGTG (NM_004744.5); c.157_159dup, p.Val53dup (NM_001301645.2).
Identifiers: ClinVar variation 1180621 (VCV001180621.1), dbSNP rs2111032416, ClinGen allele CA2573052309.
Genomic context (GRCh38, chr4:154,744,481, plus strand): 5'-AAGACAAAGGGAGGAACAGTTTTTATGAAACCAGCTCTTTCCACCGAGGCGACGTGCTGG[A>AGGT]GGTGCCCCGGACCCACCTGACCCACTATGGCATCTACCTAGGAGACAACCGTGTTGCCCA-3'